The following is an entry in ClinVar:

ClinVar aggregate classification (germline): Uncertain significance (1 of 4 stars; one submission).

Allele frequency attached by ClinVar (database versions not stated): gnomAD exomes below 0.00001; gnomAD 0.00001; TOPMed 0.00001.
gnomAD v4.1: 2 of 1,614,092 alleles (0.00012%); highest among the groups gnomAD compares: African/African-American, 0.0027%; no homozygotes.

Submission:

Labcorp Genetics (formerly Invitae), Labcorp
Classification: Uncertain significance. Last evaluated: 2022-09-01. Review status: criteria provided, single submitter. Criteria: Invitae Variant Classification Sherloc (09022015). Collection method: clinical testing. Allele origin: germline.
Comment: In summary, the available evidence is currently insufficient to determine the role of this variant in disease. Therefore, it has been classified as a Variant of Uncertain Significance. Algorithms developed to predict the effect of missense changes on protein structure and function (SIFT, PolyPhen-2, Align-GVGD) all suggest that this variant is likely to be tolerated. ClinVar contains an entry for this variant (Variation ID: 954468). This variant has not been reported in the literature in individuals affected with SPART-related conditions. This variant is not present in population databases (gnomAD no frequency). This sequence change replaces glutamine, which is neutral and polar, with arginine, which is basic and polar, at codon 374 of the SPART protein (p.Gln374Arg).

NM_015087.5(SPART):c.1121A>G (p.Gln374Arg)

Gene: SPART (spartin; minus strand). Cytogenetic location: 13q13.3.
Variant type: single nucleotide variant.
Coding change: c.1121A>G on transcript NM_015087.5 (MANE Select); coding-DNA position 1121, A replaced by G.
Protein change: p.Gln374Arg; replaces glutamine 374 with arginine.
Molecular consequence: missense variant.
Genome position (GRCh38, 1-based): chr13:36,329,405, T>C on the plus strand (A>G on the coding strand, the complement: SPART is on the minus strand). VCF-style: chr13-36329405-T-C. GRCh37 (hg19) VCF-style: chr13-36903542-T-C.
Other names: c.1121A>G, p.Gln374Arg (NM_001142294.2, NM_001142295.2, NM_001142296.2); short protein forms Q374R.
Identifiers: ClinVar variation 954468 (VCV000954468.9), dbSNP rs1261134164, ClinGen allele CA387860171.